The following is an entry in ClinVar:

NM_002546.4(TNFRSF11B):c.331C>A (p.Arg111Ser)

Gene: TNFRSF11B (TNF receptor superfamily member 11b; minus strand). Cytogenetic location: 8q24.12.
Variant type: single nucleotide variant.
Coding change: c.331C>A on transcript NM_002546.4 (MANE Select); coding-DNA position 331, C replaced by A.
Protein change: p.Arg111Ser; replaces arginine 111 with serine.
Molecular consequence: missense variant.
Genome position (GRCh38, 1-based): chr8:118,933,000, G>T on the plus strand (C>A on the coding strand, the complement: TNFRSF11B is on the minus strand). VCF-style: chr8-118933000-G-T. GRCh37 (hg19) VCF-style: chr8-119945239-G-T.
Other names: c.331C>A (NM_002546.3); short protein forms R111S.
Identifiers: ClinVar variation 1992010 (VCV001992010.5), dbSNP rs201167408, ClinGen allele CA4854945.

ClinVar aggregate classification (germline): Uncertain significance. Review status: criteria provided, multiple submitters, no conflicts (2 of 4 stars). 2 submissions from 2 submitters: Uncertain significance (2). Last evaluated 2023-09-29.

Conditions:
Inborn genetic diseases. Identifiers: MedGen C0950123, MeSH D030342.

Allele frequency attached by ClinVar (database versions not stated): 1000 Genomes Project 0.00020; 1000 Genomes Project 30x 0.00031.
gnomAD v4.1: 20 of 1,614,150 alleles (0.0012%); highest among the groups gnomAD compares: African/African-American, 0.004%; no homozygotes.

Submissions (2):

Ambry Genetics
Classification: Uncertain significance for Inborn genetic diseases. Last evaluated: 2023-09-29. Review status: criteria provided, single submitter. Criteria: Ambry Variant Classification Scheme 2023. Collection method: clinical testing. Allele origin: germline.

Labcorp Genetics (formerly Invitae), Labcorp
Classification: Uncertain significance. Last evaluated: 2022-10-13. Review status: criteria provided, single submitter. Criteria: Invitae Variant Classification Sherloc (09022015). Collection method: clinical testing. Allele origin: germline.
Comment: In summary, the available evidence is currently insufficient to determine the role of this variant in disease. Therefore, it has been classified as a Variant of Uncertain Significance. Advanced modeling of protein sequence and biophysical properties (such as structural, functional, and spatial information, amino acid conservation, physicochemical variation, residue mobility, and thermodynamic stability) performed at Invitae indicates that this missense variant is not expected to disrupt TNFRSF11B protein function. This variant has not been reported in the literature in individuals affected with TNFRSF11B-related conditions. This variant is present in population databases (rs201167408, gnomAD 0.007%). This sequence change replaces arginine, which is basic and polar, with serine, which is neutral and polar, at codon 111 of the TNFRSF11B protein (p.Arg111Ser).